The following is an entry in ClinVar:

NM_003482.4(KMT2D):c.13541C>A (p.Ala4514Glu)

Gene: KMT2D (lysine methyltransferase 2D; minus strand). Cytogenetic location: 12q13.12.
Variant type: single nucleotide variant.
Coding change: c.13541C>A on transcript NM_003482.4 (MANE Select); coding-DNA position 13541, C replaced by A.
Protein change: p.Ala4514Glu; replaces alanine 4514 with glutamic acid.
Molecular consequence: missense variant.
Genome position (GRCh38, 1-based): chr12:49,031,023, G>T on the plus strand (C>A on the coding strand, the complement: KMT2D is on the minus strand). VCF-style: chr12-49031023-G-T. GRCh37 (hg19) VCF-style: chr12-49424806-G-T.
Other names: short protein forms A4514E.
Identifiers: ClinVar variation 4801186 (VCV004801186.1).

ClinVar aggregate classification (germline): Uncertain significance (1 of 4 stars; one submission).

Conditions:
Kabuki syndrome. Also called: NIIKAWA-KUROKI SYNDROME; Kabuki make-up syndrome. Identifiers: Orphanet 2322, MedGen C0796004, MONDO:0016512.

Submission:

Labcorp Genetics (formerly Invitae), Labcorp
Classification: Uncertain significance for Kabuki syndrome. Last evaluated: 2025-03-03. Review status: criteria provided, single submitter. Criteria: Invitae Variant Classification Sherloc (09022015). Collection method: clinical testing. Allele origin: germline.
Comment: This sequence change replaces alanine, which is neutral and non-polar, with glutamic acid, which is acidic and polar, at codon 4514 of the KMT2D protein (p.Ala4514Glu). This variant is not present in population databases (gnomAD no frequency). This variant has not been reported in the literature in individuals affected with KMT2D-related conditions. Invitae Evidence Modeling of protein sequence and biophysical properties (such as structural, functional, and spatial information, amino acid conservation, physicochemical variation, residue mobility, and thermodynamic stability) indicates that this missense variant is not expected to disrupt KMT2D protein function with a negative predictive value of 95%. In summary, the available evidence is currently insufficient to determine the role of this variant in disease. Therefore, it has been classified as a Variant of Uncertain Significance.